The following is an entry in ClinVar:

NM_000506.5(F2):c.1598G>C (p.Arg533Pro)

Gene: F2 (coagulation factor II, thrombin; plus strand). Cytogenetic location: 11p11.2.
Variant type: single nucleotide variant.
Coding change: c.1598G>C on transcript NM_000506.5 (MANE Select); coding-DNA position 1598, G replaced by C.
Protein change: p.Arg533Pro; replaces arginine 533 with proline.
Molecular consequence: missense variant.
Genome position (GRCh38, 1-based): chr11:46,729,505, G>C. VCF-style: chr11-46729505-G-C. GRCh37 (hg19) VCF-style: chr11-46751055-G-C.
Other names: c.1598G>C (NM_000506.3); short protein forms R533P.
Identifiers: ClinVar variation 2629094 (VCV002629094.3), dbSNP rs1361766713, ClinGen allele CA380271739.

ClinVar aggregate classification (germline): Uncertain significance. Review status: criteria provided, multiple submitters, no conflicts (2 of 4 stars). 3 submissions from 3 submitters: Uncertain significance (3). Last evaluated 2025-06-03.

Conditions:
Congenital prothrombin deficiency. Also called: Inherited hypoprothrombinemia; Congenital factor II deficiency; Inherited prothrombin deficiency; Factor II deficiency; HYPOPROTHROMBINEMIA; Hereditary factor II deficiency disease. Identifiers: Orphanet 325, MedGen C0272317, MONDO:0013361, OMIM 613679.
F2-related disorder. Also called: F2-related condition; F2-related disorders.

gnomAD v4.1: 9 of 1,613,918 alleles (0.00056%); highest among the groups gnomAD compares: African/African-American, 0.0013%; no homozygotes.

Submissions (3):

GeneDx
Classification: Uncertain significance. Last evaluated: 2025-06-03. Review status: criteria provided, single submitter. Criteria: GeneDx Variant Classification Process June 2021. Collection method: clinical testing. Allele origin: germline. Affected: yes.
Comment: In silico analysis suggests that this missense variant does not alter protein structure/function; Has not been previously published as pathogenic or benign to our knowledge

Labcorp Genetics (formerly Invitae), Labcorp
Classification: Uncertain significance for Congenital prothrombin deficiency. Last evaluated: 2024-04-25. Review status: criteria provided, single submitter. Criteria: Invitae Variant Classification Sherloc (09022015). Collection method: clinical testing. Allele origin: germline.
Comment: This sequence change replaces arginine, which is basic and polar, with proline, which is neutral and non-polar, at codon 533 of the F2 protein (p.Arg533Pro). This variant is present in population databases (no rsID available, gnomAD 0.004%). This variant has not been reported in the literature in individuals affected with F2-related conditions. ClinVar contains an entry for this variant (Variation ID: 2629094). Advanced modeling of protein sequence and biophysical properties (such as structural, functional, and spatial information, amino acid conservation, physicochemical variation, residue mobility, and thermodynamic stability) performed at Invitae indicates that this missense variant is not expected to disrupt F2 protein function with a negative predictive value of 80%. In summary, the available evidence is currently insufficient to determine the role of this variant in disease. Therefore, it has been classified as a Variant of Uncertain Significance.

PreventionGenetics, part of Exact Sciences
Classification: Uncertain significance for F2-related condition. Last evaluated: 2022-12-07. Review status: criteria provided, single submitter. Criteria: ACMG Guidelines, 2015. Collection method: clinical testing. Allele origin: germline.
Comment: The F2 c.1598G>C variant is predicted to result in the amino acid substitution p.Arg533Pro. To our knowledge, this variant has not been reported in the literature. This variant is reported in 0.0040% of alleles in individuals of African descent in gnomAD. At this time, the clinical significance of this variant is uncertain due to the absence of conclusive functional and genetic evidence.